The following is an entry in ClinVar:

NM_001127208.3(TET2):c.2861G>T (p.Trp954Leu)

Genes: TET2 (tet methylcytosine dioxygenase 2; plus strand), TET2-AS1 (TET2 antisense RNA 1; minus strand). Cytogenetic location: 4q24.
Variant type: single nucleotide variant.
Coding change: c.2861G>T on transcript NM_001127208.3 (MANE Select); coding-DNA position 2861, G replaced by T.
Protein change: p.Trp954Leu; replaces tryptophan 954 with leucine.
Molecular consequence: missense variant.
Genome position (GRCh38, 1-based): chr4:105,236,803, G>T. VCF-style: chr4-105236803-G-T. GRCh37 (hg19) VCF-style: chr4-106157960-G-T.
Other names: c.2861G>T, p.Trp954Leu (NM_017628.4); short protein forms W954L.
Identifiers: ClinVar variation 2995574 (VCV002995574.3), dbSNP rs1039019352, ClinGen allele CA102753201.

ClinVar aggregate classification (germline): Uncertain significance (1 of 4 stars; one submission).

Allele frequency attached by ClinVar (database versions not stated): TOPMed 0.00001.
gnomAD v4.1: 5 of 1,614,058 alleles (0.00031%); highest among the groups gnomAD compares: Non-Finnish European, 0.00034%; no homozygotes.

Submission:

Labcorp Genetics (formerly Invitae), Labcorp
Classification: Uncertain significance. Last evaluated: 2023-01-15. Review status: criteria provided, single submitter. Criteria: Invitae Variant Classification Sherloc (09022015). Collection method: clinical testing. Allele origin: germline.
Comment: This variant has not been reported in the literature in individuals affected with TET2-related conditions. This variant is not present in population databases (gnomAD no frequency). This sequence change replaces tryptophan, which is neutral and slightly polar, with leucine, which is neutral and non-polar, at codon 954 of the TET2 protein (p.Trp954Leu). Algorithms developed to predict the effect of missense changes on protein structure and function are either unavailable or do not agree on the potential impact of this missense change (SIFT: "Tolerated"; PolyPhen-2: "Possibly Damaging"; Align-GVGD: "Class C0"). In summary, the available evidence is currently insufficient to determine the role of this variant in disease. Therefore, it has been classified as a Variant of Uncertain Significance.